The following is an entry in ClinVar:

NM_201384.3(PLEC):c.4561G>A (p.Val1521Met)

Gene: PLEC (plectin; minus strand). Cytogenetic location: 8q24.3.
Variant type: single nucleotide variant.
Coding change: c.4561G>A on transcript NM_201384.3 (MANE Select); coding-DNA position 4561, G replaced by A.
Protein change: p.Val1521Met; replaces valine 1521 with methionine.
Molecular consequence: missense variant.
Genome position (GRCh38, 1-based): chr8:143,925,368, C>T on the plus strand (G>A on the coding strand, the complement: PLEC is on the minus strand). VCF-style: chr8-143925368-C-T. GRCh37 (hg19) VCF-style: chr8-144999536-C-T.
Other names: p.Val1548Met; c.4642G>A, p.Val1548Met (NM_000445.5); c.4519G>A, p.Val1507Met (NM_201378.4); c.4495G>A, p.Val1499Met (NM_201379.3); c.4972G>A, p.Val1658Met (NM_201380.4); c.4465G>A, p.Val1489Met (NM_201381.3); c.4561G>A, p.Val1521Met (NM_201382.4); c.4573G>A, p.Val1525Met (NM_201383.3); short protein forms V1525M, V1507M, V1658M, V1521M, V1548M, V1489M, V1499M.
Identifiers: ClinVar variation 281992 (VCV000281992.23), dbSNP rs782046910, ClinGen allele CA4926620.

ClinVar aggregate classification (germline): Uncertain significance. Review status: criteria provided, multiple submitters, no conflicts (2 of 4 stars). 6 submissions from 6 submitters: Uncertain significance (6). Last evaluated 2026-01-22.

Conditions:
Epidermolysis bullosa simplex, Ogna type (EBS5A). Also called: Pidermolysis bullosa simplex 5A, Ogna type; EPIDERMOLYSIS BULLOSA SIMPLEX 5A, OGNA TYPE. Identifiers: Orphanet 79401, MedGen C0432317, MONDO:0007555, OMIM 131950.
Epidermolysis bullosa simplex with nail dystrophy (EBS5D). Identifiers: MedGen C4225309, MONDO:0014661, OMIM 616487.
Autosomal recessive limb-girdle muscular dystrophy type 2Q (LGMDR17). Also called: MUSCULAR DYSTROPHY, LIMB-GIRDLE, AUTOSOMAL RECESSIVE 17. Identifiers: Orphanet 254361, MedGen C3150989, MONDO:0013390, OMIM 613723.
Epidermolysis bullosa simplex 5C, with pyloric atresia (EBS5C). Also called: Epidermolysis bullosa simplex with pyloric atresia; PLEC1-Related Epidermolysis Bullosa with Pyloric Atresia; PLEC-Related Epidermolysis Bullosa with Pyloric Atresia. Identifiers: Orphanet 158684, MedGen C2677349, MONDO:0012807, OMIM 612138.
Epidermolysis bullosa simplex 5B, with muscular dystrophy (EBS5B). Also called: Epidermolysis bullosa simplex with muscular dystrophy; EPIDERMOLYSIS BULLOSA SIMPLEX AND LIMB-GIRDLE MUSCULAR DYSTROPHY. Identifiers: Orphanet 257, MedGen C2931072, MONDO:0009181, OMIM 226670.
PLEC-related disorder. Also called: PLEC-related disorders; PLEC-related condition.

Allele frequency attached by ClinVar (database versions not stated): gnomAD exomes 0.00009; TOPMed 0.00010; ExAC 0.00016.
gnomAD v4.1: 160 of 1,560,102 alleles (0.01%); highest among the groups gnomAD compares: Non-Finnish European, 0.012%; no homozygotes.

Submissions (6):

Labcorp Genetics (formerly Invitae), Labcorp
Classification: Uncertain significance for Autosomal recessive limb-girdle muscular dystrophy type 2Q; Epidermolysis bullosa simplex, Ogna type; Epidermolysis bullosa simplex with nail dystrophy; Epidermolysis bullosa simplex 5C, with pyloric atresia; Epidermolysis bullosa simplex 5B, with muscular dystrophy. Last evaluated: 2026-01-22. Review status: criteria provided, single submitter. Criteria: Invitae Variant Classification Sherloc (09022015). Collection method: clinical testing. Allele origin: germline.
Comment: This sequence change replaces valine, which is neutral and non-polar, with methionine, which is neutral and non-polar, at codon 1548 of the PLEC protein (p.Val1548Met). This variant is present in population databases (rs782046910, gnomAD 0.02%). This variant has not been reported in the literature in individuals affected with PLEC-related conditions. ClinVar contains an entry for this variant (Variation ID: 281992). Experimental studies and prediction algorithms are not available or were not evaluated, and the functional significance of this variant is currently unknown. In summary, the available evidence is currently insufficient to determine the role of this variant in disease. Therefore, it has been classified as a Variant of Uncertain Significance.

CeGaT Center for Human Genetics Tuebingen
Classification: Uncertain significance. Last evaluated: 2025-07-01. Review status: criteria provided, single submitter. Criteria: CeGaT Center For Human Genetics Tuebingen Variant Classification Criteria Version 2. Collection method: clinical testing. Allele origin: germline. Affected: yes. Observed: 1 variant allele.
Comment: PLEC: PM2

Revvity Omics, Revvity
Classification: Uncertain significance. Last evaluated: 2025-03-26. Review status: criteria provided, single submitter. Criteria: ACMG Guidelines, 2015. Collection method: clinical testing. Allele origin: germline.

PreventionGenetics, part of Exact Sciences
Classification: Uncertain significance for PLEC-related condition. Last evaluated: 2024-11-27. Review status: criteria provided, single submitter. Criteria: ACMG Guidelines, 2015. Collection method: clinical testing. Allele origin: germline.
Comment: The PLEC c.4642G>A variant is predicted to result in the amino acid substitution p.Val1548Met. To our knowledge, this variant has not been reported in the literature. This variant is reported in 0.019% of alleles in individuals of European (non-Finnish) descent in gnomAD. At this time, the clinical significance of this variant is uncertain due to the absence of conclusive functional and genetic evidence.

Mayo Clinic Laboratories, Mayo Clinic
Classification: Uncertain significance. Last evaluated: 2024-08-02. Review status: criteria provided, single submitter. Criteria: ACMG Guidelines, 2015. Collection method: clinical testing. Allele origin: germline. Observed: 1 variant allele.
Comment: BP4, PM2

Eurofins Ntd Llc (ga)
Classification: Uncertain significance. Last evaluated: 2015-07-16. Review status: criteria provided, single submitter. Criteria: EGL Classification Definitions 2015. Collection method: clinical testing. Allele origin: germline. Observed: 2 variant alleles, 2 heterozygotes.